The following is an entry in ClinVar:

ClinVar aggregate classification (germline): Uncertain significance. Review status: criteria provided, multiple submitters, no conflicts (2 of 4 stars). 3 submissions from 3 submitters: Uncertain significance (3). Last evaluated 2025-12-29.

Conditions:
Colorectal cancer, hereditary nonpolyposis, type 7. Identifiers: Orphanet 144, MedGen C1858380, MONDO:0013725, OMIM 614385.

Allele frequency attached by ClinVar (database versions not stated): gnomAD 0.00006 and 0.00007; gnomAD exomes 0.00006 and 0.00007; ESP Exome Variant Server 0.00008; ExAC 0.00011; 1000 Genomes Project 30x 0.00016; 1000 Genomes Project 0.00020.
gnomAD v4.1: 88 of 1,527,244 alleles (0.0058%); highest among the groups gnomAD compares: Non-Finnish European, 0.0064%; no homozygotes.

Submissions (3):

Center for Genomic Medicine, Rigshospitalet, Copenhagen University Hospital
Classification: Uncertain significance. Last evaluated: 2025-12-29. Review status: criteria provided, single submitter. Criteria: ACMG Guidelines, 2015. Collection method: clinical testing. Allele origin: germline.

Labcorp Genetics (formerly Invitae), Labcorp
Classification: Uncertain significance for Colorectal cancer, hereditary nonpolyposis, type 7. Last evaluated: 2025-12-22. Review status: criteria provided, single submitter. Criteria: Invitae Variant Classification Sherloc (09022015). Collection method: clinical testing. Allele origin: germline.
Comment: This sequence change replaces valine, which is neutral and non-polar, with isoleucine, which is neutral and non-polar, at codon 1156 of the MLH3 protein (p.Val1156Ile). This variant is present in population databases (rs184741686, gnomAD 0.01%). This missense change has been observed in individual(s) with a personal and/or family history of breast and/or ovarian cancer (PMID: 24549055). ClinVar contains an entry for this variant (Variation ID: 1063914). An algorithm developed to predict the effect of missense changes on protein structure and function (PolyPhen-2) suggests that this variant is likely to be disruptive. In summary, the available evidence is currently insufficient to determine the role of this variant in disease. Therefore, it has been classified as a Variant of Uncertain Significance.

Ambry Genetics
Classification: Uncertain significance. Last evaluated: 2025-01-05. Review status: criteria provided, single submitter. Criteria: Ambry Variant Classification Scheme 2023. Collection method: clinical testing. Allele origin: germline.
Comment: The p.V1156I variant (also known as c.3466G>A) is located in coding exon 4 of the MLH3 gene. The valine at codon 1156 is replaced by isoleucine, an amino acid with highly similar properties. This change occurs in the first base pair of coding exon 4. This alteration has been identified in a cohort of patients with unexplained adenomatous polyposis (>100 polyps) with known inheritance (Rohlin A et al. Fam. Cancer, 2017 04;16:195-203). This alteration has also been identified in a cohort of high-risk breast/ovarian cancer patients (Cast&eacute;ra L et al. Eur. J. Hum. Genet., 2014 Nov;22:1305-13). This amino acid position is highly conserved through mammals but not in all available vertebrate species. In addition, this alteration is predicted to be tolerated by in silico analysis. The evidence for this gene-disease relationship is limited; therefore, the clinical significance of this alteration is unclear.

Literature cited by the submitters: PubMed 24549055 (cited by 3 submitters); PubMed 27696107 (cited by Ambry Genetics).

NM_001040108.2(MLH3):c.3466G>A (p.Val1156Ile)

Gene: MLH3 (mutL homolog 3; minus strand). Cytogenetic location: 14q24.3.
Variant type: single nucleotide variant.
Coding change: c.3466G>A on transcript NM_001040108.2 (MANE Select); coding-DNA position 3466, G replaced by A.
Protein change: p.Val1156Ile; replaces valine 1156 with isoleucine.
Molecular consequence: missense variant.
Genome position (GRCh38, 1-based): chr14:75,040,015, C>T on the plus strand (G>A on the coding strand, the complement: MLH3 is on the minus strand). VCF-style: chr14-75040015-C-T. GRCh37 (hg19) VCF-style: chr14-75506718-C-T.
Other names: c.3466G>A, p.Val1156Ile (NM_014381.3); c.3466G>A (NM_001040108.1); short protein forms V1156I.
Identifiers: ClinVar variation 1063914 (VCV001063914.23), dbSNP rs184741686, ClinGen allele CA7275471.